The following is an entry in ClinVar:

NM_002181.4(IHH):c.316C>A (p.Arg106Ser)

Gene: IHH (Indian hedgehog signaling molecule; minus strand). Cytogenetic location: 2q35.
Variant type: single nucleotide variant.
Coding change: c.316C>A on transcript NM_002181.4 (MANE Select); coding-DNA position 316, C replaced by A.
Protein change: p.Arg106Ser; replaces arginine 106 with serine.
Molecular consequence: missense variant.
Genome position (GRCh38, 1-based): chr2:219,057,694, G>T on the plus strand (C>A on the coding strand, the complement: IHH is on the minus strand). VCF-style: chr2-219057694-G-T. GRCh37 (hg19) VCF-style: chr2-219922416-G-T.
Other names: short protein forms R106S.
Identifiers: ClinVar variation 931290 (VCV000931290.3), dbSNP rs775959009, ClinGen allele CA65949385.
Genomic context (GRCh38, chr2:219,057,694, plus strand): 5'-TCACACCGGGCCACTGGTTCATCACCGAGATAGCCAGCGAGTTCAGGCGGTCCTTGCAGC[G>T]CTGGGAGAGGAATGTGCGCGAAATCAACCAGAGCGAAATCAGCCGGAGGAGCCGGCCGAG-3'
Protein context (NP_002172.2, residues 96-116): NTGADRLMTQ[Arg106Ser]CKDRLNSLAI

ClinVar aggregate classification (germline): Uncertain significance (1 of 4 stars; one submission).

Conditions:
Brachydactyly type A1. Also called: FARABEE-TYPE BRACHYDACTYLY; SHORT STATURE WITH NONSPECIFIC SKELETAL ABNORMALITIES 2. Identifiers: Orphanet 93388, MedGen C1862151, MONDO:0007215, OMIM 112500, HP:0009371.

Submission:

Centre for Mendelian Genomics, University Medical Centre Ljubljana
Classification: Uncertain significance for Brachydactyly type A1. Last evaluated: 2018-11-07. Review status: criteria provided, single submitter. Criteria: ACMG Guidelines, 2015. Collection method: clinical testing. Allele origin: unknown. Affected: yes.
Comment: This variant was classified as: Uncertain significance. The available evidence on this variant's pathogenicity is insufficient or conflicting. The following ACMG criteria were applied in classifying this variant: PM2,PP3.